The following is an entry in ClinVar:

NM_000059.4(BRCA2):c.4124A>G (p.Glu1375Gly)

Gene: BRCA2 (BRCA2 DNA repair associated; plus strand). Cytogenetic location: 13q13.1.
Variant type: single nucleotide variant.
Coding change: c.4124A>G on transcript NM_000059.4 (MANE Select); coding-DNA position 4124, A replaced by G.
Protein change: p.Glu1375Gly; replaces glutamic acid 1375 with glycine.
Molecular consequence: missense variant.
Genome position (GRCh38, 1-based): chr13:32,338,479, A>G. VCF-style: chr13-32338479-A-G. GRCh37 (hg19) VCF-style: chr13-32912616-A-G.
Other names: short protein forms E1375G.
Identifiers: ClinVar variation 861468 (VCV000861468.15), dbSNP rs2072496648, ClinGen allele CA387779345.

ClinVar aggregate classification (germline): Conflicting classifications of pathogenicity. Review status: criteria provided, conflicting classifications (1 of 4 stars). 2 submissions from 2 submitters: Uncertain significance (1); Likely benign (1). Last evaluated 2023-03-23.

Conditions:
Hereditary cancer-predisposing syndrome. Also called: Tumor predisposition; Hereditary neoplastic syndrome; Neoplastic Syndromes, Hereditary; Hereditary Cancer Syndrome. Identifiers: Orphanet 140162, MedGen C0027672, MeSH D009386, MONDO:0015356.
Hereditary breast ovarian cancer syndrome. Also called: Hereditary breast and ovarian cancer; Breast and ovarian cancer; Hereditary breast and/or ovarian cancer syndrome; Hereditary breast and ovarian cancer syndrome; Hereditary breast and ovarian cancer syndrome (HBOC); BRCA1- and BRCA2-Associated Hereditary Breast and Ovarian Cancer. Identifiers: Orphanet 145, MedGen C0677776, MeSH D061325, MONDO:0003582. Disease mechanism: loss of function.

Submissions (2):

University of Washington Department of Laboratory Medicine, University of Washington
Classification: Likely benign for Hereditary cancer-predisposing syndrome. Last evaluated: 2023-03-23. Review status: criteria provided, single submitter. Criteria: Dines et al. (Genet Med. 2020). Collection method: curation. Allele origin: germline.
Comment: Missense variant in a coldspot region where missense variants are very unlikely to be pathogenic (PMID:31911673).

BRCA2 exon 11 coldspot. Reclassification based on statistical prior probability.

Labcorp Genetics (formerly Invitae), Labcorp
Classification: Uncertain significance for Hereditary breast ovarian cancer syndrome. Last evaluated: 2019-12-11. Review status: criteria provided, single submitter. Criteria: Invitae Variant Classification Sherloc (09022015). Collection method: clinical testing. Allele origin: germline.
Comment: In summary, the available evidence is currently insufficient to determine the role of this variant in disease. Therefore, it has been classified as a Variant of Uncertain Significance. Algorithms developed to predict the effect of missense changes on protein structure and function output the following: SIFT: "Deleterious"; PolyPhen-2: "Benign"; Align-GVGD: "Class C0". The glycine amino acid residue is found in multiple mammalian species, suggesting that this missense change does not adversely affect protein function. These predictions have not been confirmed by published functional studies and their clinical significance is uncertain. This variant has not been reported in the literature in individuals with BRCA2-related conditions. This variant is not present in population databases (ExAC no frequency). This sequence change replaces glutamic acid with glycine at codon 1375 of the BRCA2 protein (p.Glu1375Gly). The glutamic acid residue is moderately conserved and there is a moderate physicochemical difference between glutamic acid and glycine.